The following is an entry in ClinVar:

ClinVar aggregate classification (germline): Conflicting classifications of pathogenicity. Review status: criteria provided, conflicting classifications (1 of 4 stars). 4 submissions from 4 submitters: Uncertain significance (3); Likely benign (1). Last evaluated 2025-11-23.

Conditions:
Inborn genetic diseases. Identifiers: MedGen C0950123, MeSH D030342.

Allele frequency attached by ClinVar (database versions not stated): gnomAD 0.00006 and 0.00009; ESP Exome Variant Server 0.00008; gnomAD exomes 0.00012; TOPMed 0.00012; ExAC 0.00021; 1000 Genomes Project 30x 0.00047; 1000 Genomes Project 0.00060.
gnomAD v4.1: 101 of 1,609,756 alleles (0.0063%); highest among the groups gnomAD compares: East Asian, 0.12%; no homozygotes.

Submissions (4):

Labcorp Genetics (formerly Invitae), Labcorp
Classification: Likely benign. Last evaluated: 2025-11-23. Review status: criteria provided, single submitter. Criteria: Invitae Variant Classification Sherloc (09022015). Collection method: clinical testing. Allele origin: germline.

Ambry Genetics
Classification: Uncertain significance for Inborn genetic diseases. Last evaluated: 2025-05-23. Review status: criteria provided, single submitter. Criteria: Ambry Variant Classification Scheme 2023. Collection method: clinical testing. Allele origin: germline.

GeneDx
Classification: Uncertain significance. Last evaluated: 2025-04-25. Review status: criteria provided, single submitter. Criteria: GeneDx Variant Classification Process June 2021. Collection method: clinical testing. Allele origin: germline. Affected: yes.
Comment: In silico analysis indicates that this missense variant does not alter protein structure/function; Has not been previously published as pathogenic or benign to our knowledge

Women's Health and Genetics/Laboratory Corporation of America, LabCorp
Classification: Uncertain significance. Last evaluated: 2022-05-03. Review status: criteria provided, single submitter. Criteria: LabCorp Variant Classification Summary - May 2015. Collection method: clinical testing. Allele origin: germline.

NM_207346.3(TSEN54):c.881G>A (p.Arg294Gln)

Gene: TSEN54 (tRNA splicing endonuclease subunit 54; plus strand). Cytogenetic location: 17q25.1.
Variant type: single nucleotide variant.
Coding change: c.881G>A on transcript NM_207346.3 (MANE Select); coding-DNA position 881, G replaced by A.
Protein change: p.Arg294Gln; replaces arginine 294 with glutamine.
Molecular consequence: missense variant.
Genome position (GRCh38, 1-based): chr17:75,521,962, G>A. VCF-style: chr17-75521962-G-A. GRCh37 (hg19) VCF-style: chr17-73518043-G-A.
Other names: short protein forms R294Q.
Identifiers: ClinVar variation 1696059 (VCV001696059.7), dbSNP rs150805182, ClinGen allele CA8764296.